The following is an entry in ClinVar:

ClinVar aggregate classification (germline): Benign/Likely benign. Review status: criteria provided, multiple submitters, no conflicts (2 of 4 stars). 10 submissions from 10 submitters: Benign (8); Likely benign (1). 1 of the submissions does not count toward it. Last evaluated 2026-02-04.

Conditions:
Fanconi anemia (FA). Also called: Fanconi's anemia. Identifiers: Orphanet 84, MedGen C0015625, MeSH D005199, MONDO:0019391.
Fanconi anemia complementation group P. Also called: SLX4-Related Fanconi Anemia. Identifiers: Orphanet 84, MedGen C3469542, MONDO:0013499, OMIM 613951.

Allele frequency attached by ClinVar (database versions not stated): 1000 Genomes Project 0.04113; 1000 Genomes Project 30x 0.04216; TOPMed 0.04645; ESP Exome Variant Server 0.04925; gnomAD 0.04930 and 0.04950; gnomAD exomes 0.05829 and 0.06165; ExAC 0.05858.
gnomAD v4.1: 97,293 of 1,613,786 alleles (6%); highest among the groups gnomAD compares: Admixed American, 6.6%; 3,256 homozygotes.

Submissions (10):

Labcorp Genetics (formerly Invitae), Labcorp
Classification: Benign for Fanconi anemia. Last evaluated: 2026-02-04. Review status: criteria provided, single submitter. Criteria: Invitae Variant Classification Sherloc (09022015). Collection method: clinical testing. Allele origin: germline.

Mayo Clinic Laboratories, Mayo Clinic
Classification: Benign. Last evaluated: 2025-09-22. Review status: criteria provided, single submitter. Criteria: ACMG Guidelines, 2015. Collection method: clinical testing. Allele origin: germline. Observed: 3 variant alleles.
Comment: BA1, BP4_strong

ARUP Laboratories, Molecular Genetics and Genomics, ARUP Laboratories
Classification: Benign for Fanconi anemia complementation group P. Last evaluated: 2025-07-02. Review status: criteria provided, single submitter. Criteria: ARUP Molecular Germline Variant Investigation Process 2024. Collection method: clinical testing. Allele origin: germline.

Blueprint Genetics
Classification: Likely benign. Last evaluated: 2024-11-27. Review status: criteria provided, single submitter. Criteria: ACMG Guidelines, 2015. Collection method: clinical testing. Allele origin: germline.

KCCC/NGS Laboratory, Kuwait Cancer Control Center
Classification: Benign for Fanconi anemia complementation group P. Last evaluated: 2023-07-07. Review status: criteria provided, single submitter. Criteria: ACMG Guidelines, 2015. Collection method: clinical testing. Allele origin: germline. Affected: yes.

GeneDx
Classification: Benign. Last evaluated: 2019-02-24. Review status: criteria provided, single submitter. Criteria: GeneDx Variant Classification Process June 2021. Collection method: clinical testing. Allele origin: germline. Affected: yes.

Illumina Laboratory Services, Illumina
Classification: Benign for Fanconi anemia complementation group P. Last evaluated: 2018-01-13. Review status: criteria provided, single submitter. Criteria: ICSL Variant Classification Criteria 13 December 2019. Collection method: clinical testing. Allele origin: germline.
Comment: This variant was observed in the ICSL laboratory as part of a predisposition screen in an ostensibly healthy population. It had not been previously curated by ICSL or reported in the Human Gene Mutation Database (HGMD: prior to June 1st, 2018), and was therefore a candidate for classification through an automated scoring system. Utilizing variant allele frequency, disease prevalence and penetrance estimates, and inheritance mode, an automated score was calculated to assess if this variant is too frequent to cause the disease. Based on the score and internal cut-off values, a variant classified as benign is not then subjected to further curation. The score for this variant resulted in a classification of benign for this disease.

Breakthrough Genomics
Classification: Benign. Review status: criteria provided, single submitter. Criteria: ACMG Guidelines, 2015. Collection method: not provided. Allele origin: germline. Inheritance: Autosomal recessive inheritance. Affected: yes.

PreventionGenetics, part of Exact Sciences
Classification: Benign. Review status: criteria provided, single submitter. Criteria: ACMG Guidelines, 2015. Collection method: clinical testing. Allele origin: germline.

Leiden Open Variation Database
Classification: Likely benign. Last evaluated: 2012-08-31. Review status: no assertion criteria provided. Collection method: curation. Allele origin: germline. Affected: yes. Not counted in ClinVar's aggregate classification.
Comment: Curator: Arleen D. Auerbach. Submitter to LOVD: Janine Bakker.

Literature cited by the submitters: PubMed 22911665 (cited by Leiden Open Variation Database).

NM_032444.4(SLX4):c.3662C>T (p.Ala1221Val)

Gene: SLX4 (SLX4 structure-specific endonuclease subunit; minus strand). Cytogenetic location: 16p13.3.
Variant type: single nucleotide variant.
Coding change: c.3662C>T on transcript NM_032444.4 (MANE Select); coding-DNA position 3662, C replaced by T.
Protein change: p.Ala1221Val; replaces alanine 1221 with valine.
Molecular consequence: missense variant.
Genome position (GRCh38, 1-based): chr16:3,589,976, G>A on the plus strand (C>T on the coding strand, the complement: SLX4 is on the minus strand). VCF-style: chr16-3589976-G-A. GRCh37 (hg19) VCF-style: chr16-3639977-G-A.
Other names: c.3662C>T (LRG_503t1, NM_032444.3); short protein forms A1221V.
Identifiers: ClinVar variation 262048 (VCV000262048.32), dbSNP rs3827530, ClinGen allele CA7865877.